The following is an entry in ClinVar:

NM_017831.4(RNF125):c.521G>T (p.Arg174Leu)

Gene: RNF125 (ring finger protein 125; plus strand). Cytogenetic location: 18q12.1.
Variant type: single nucleotide variant.
Coding change: c.521G>T on transcript NM_017831.4 (MANE Select); coding-DNA position 521, G replaced by T.
Protein change: p.Arg174Leu; replaces arginine 174 with leucine.
Molecular consequence: missense variant.
Genome position (GRCh38, 1-based): chr18:32,065,918, G>T. VCF-style: chr18-32065918-G-T. GRCh37 (hg19) VCF-style: chr18-29645881-G-T.
Other names: short protein forms R174L.
Identifiers: ClinVar variation 2143353 (VCV002143353.4), dbSNP rs141822083, ClinGen allele CA298316658.
Genomic context (GRCh38, chr18:32,065,918, plus strand): 5'-GATTTTAAATTCTTTCTTGAACCCCTGGTCTTGTTTGTTTCCAGTTCTGTCCACTTTGCC[G>T]TTTAATACCCGATGAGAATCCAAGCAGCTTCAGTGGCAGTTTAATAAGACATCTGCAAGT-3'
Protein context (NP_060301.2, residues 164-184): ERRPVFCPLC[Arg174Leu]LIPDENPSSF

ClinVar aggregate classification (germline): Uncertain significance (1 of 4 stars; one submission).

Conditions:
Tenorio syndrome (TNORS). Also called: OVERGROWTH, MACROCEPHALY, AND INTELLECTUAL DISABILITY SYNDROME. Identifiers: MedGen C4015710, MONDO:0014553, OMIM 616260.

gnomAD v4.1: 12 of 1,612,268 alleles (0.00074%); highest among the groups gnomAD compares: African/African-American, 0.012%; no homozygotes.

Submission:

Labcorp Genetics (formerly Invitae), Labcorp
Classification: Uncertain significance for Tenorio syndrome. Last evaluated: 2023-04-05. Review status: criteria provided, single submitter. Criteria: Invitae Variant Classification Sherloc (09022015). Collection method: clinical testing. Allele origin: germline.
Comment: An algorithm developed to predict the effect of missense changes on protein structure and function (PolyPhen-2) suggests that this variant is likely to be tolerated. Algorithms developed to predict the effect of sequence changes on RNA splicing suggest that this variant may disrupt the consensus splice site. This variant disrupts the p.Arg174 amino acid residue in RNF125. Other variant(s) that disrupt this residue have been determined to be pathogenic (PMID: 25196541, 34196401). This suggests that this residue is clinically significant, and that variants that disrupt this residue are likely to be disease-causing. In summary, the available evidence is currently insufficient to determine the role of this variant in disease. Therefore, it has been classified as a Variant of Uncertain Significance. ClinVar contains an entry for this variant (Variation ID: 2143353). This sequence change replaces arginine, which is basic and polar, with leucine, which is neutral and non-polar, at codon 174 of the RNF125 protein (p.Arg174Leu). This variant is not present in population databases (gnomAD no frequency). This variant has not been reported in the literature in individuals affected with RNF125-related conditions.

Literature cited by the submitters: PubMed 25196541; PubMed 34196401.